The following is an entry in ClinVar:

ClinVar aggregate classification (germline): Uncertain significance (1 of 4 stars; one submission).

Conditions:
Hereditary cancer-predisposing syndrome. Also called: Tumor predisposition; Hereditary Cancer Syndrome; Hereditary neoplastic syndrome; Neoplastic Syndromes, Hereditary. Identifiers: Orphanet 140162, MedGen C0027672, MeSH D009386, MONDO:0015356.

Submission:

Ambry Genetics
Classification: Uncertain significance for Hereditary cancer-predisposing syndrome. Last evaluated: 2023-08-28. Review status: criteria provided, single submitter. Criteria: Ambry Variant Classification Scheme 2023. Collection method: clinical testing. Allele origin: germline.
Comment: The p.K898Q variant (also known as c.2692A>C), located in coding exon 11 of the MET gene, results from an A to C substitution at nucleotide position 2692. The lysine at codon 898 is replaced by glutamine, an amino acid with similar properties. This amino acid position is conserved. In addition, this alteration is predicted to be tolerated by in silico analysis. Since supporting evidence is limited at this time, the clinical significance of this alteration remains unclear.

NM_000245.4(MET):c.2638A>C (p.Lys880Gln)

Gene: MET (MET proto-oncogene, receptor tyrosine kinase; plus strand). Cytogenetic location: 7q31.2.
Variant type: single nucleotide variant.
Coding change: c.2638A>C on transcript NM_000245.4 (MANE Select); coding-DNA position 2638, A replaced by C.
Protein change: p.Lys880Gln; replaces lysine 880 with glutamine.
Molecular consequence: missense variant.
Genome position (GRCh38, 1-based): chr7:116,769,699, A>C. VCF-style: chr7-116769699-A-C. GRCh37 (hg19) VCF-style: chr7-116409753-A-C.
Other names: c.2692A>C, p.Lys898Gln (NM_001127500.3); c.2638A>C, p.Lys880Gln (NM_001324401.3); c.1348A>C, p.Lys450Gln (NM_001324402.2); short protein forms K450Q, K898Q, K880Q.
Identifiers: ClinVar variation 2587493 (VCV002587493.2), dbSNP rs2116983288, ClinGen allele CA368985479.
Genomic context (GRCh38, chr7:116,769,699, plus strand): 5'-TTTCAGGGAAATGATATTGACCCTGAAGCAGTTAAAGGTGAAGTGTTAAAAGTTGGAAAT[A>C]AGAGCTGTGAGAATATACACTTACATTCTGAAGCCGTTTTATGCACGGTCCCCAATGACC-3'
Protein context (NP_000236.2, residues 870-890): VKGEVLKVGN[Lys880Gln]SCENIHLHSE